The following is an entry in ClinVar:

NC_000010.10:g.103001852_103543913dup

Genes: BTRC (beta-transducin repeat containing E3 ubiquitin protein ligase; plus strand), DPCD (deleted in primary ciliary dyskinesia homolog (mouse); plus strand), FBXW4 (F-box and WD repeat domain containing 4; minus strand), FGF8 (fibroblast growth factor 8; minus strand), NPM3 (nucleophosmin/nucleoplasmin 3; minus strand) and 1 more. Cytogenetic location: 10q24.32.
Variant type: Duplication.
Other names: arr[GRCh37] 10q24.32(103,001,852_103,543,913)x3.
Identifiers: ClinVar variation 3250370 (VCV003250370.1).

ClinVar aggregate classification (germline): Pathogenic (0 of 4 stars; one submission).

Conditions:
Hypoplastic femurs and pelvis (HYPOFP). Identifiers: MedGen C5561993, OMIM 619545.

Submission:

ClinVar Staff, National Center for Biotechnology Information (NCBI)
Classification: Pathogenic for Hypoplastic femurs and pelvis. Review status: no assertion criteria provided. Collection method: literature only. Allele origin: de novo. Affected: yes. Observed: 3 variant alleles, 3 heterozygotes.
Comment: The paper by Socha et al., 2021 (PubMed 34433009) described 2 families with overlapping de novo duplications including FGF8. This duplication is the longer one in Family 2. The paper also described genetically engineered mice with Fgf8 duplications, and hypothesized that "duplications at the FGF8 locus are associated with femoral hypoplasia and that the phenotype is most likely the result of position effects altering FGF8 expression rather than gene dosage effects."

Literature cited by the submitters: PubMed 34433009.